The following is an entry in ClinVar:

NM_001081.4(CUBN):c.4906C>T (p.Arg1636Trp)

Gene: CUBN (cubilin; minus strand). Cytogenetic location: 10p13.
Variant type: single nucleotide variant.
Coding change: c.4906C>T on transcript NM_001081.4 (MANE Select); coding-DNA position 4906, C replaced by T.
Protein change: p.Arg1636Trp; replaces arginine 1636 with tryptophan.
Molecular consequence: missense variant.
Genome position (GRCh38, 1-based): chr10:16,952,339, G>A on the plus strand (C>T on the coding strand, the complement: CUBN is on the minus strand). VCF-style: chr10-16952339-G-A. GRCh37 (hg19) VCF-style: chr10-16994338-G-A.
Other names: short protein forms R1636W.
Identifiers: ClinVar variation 941735 (VCV000941735.11), dbSNP rs551594427, ClinGen allele CA5424215.

ClinVar aggregate classification (germline): Uncertain significance. Review status: criteria provided, multiple submitters, no conflicts (2 of 4 stars). 4 submissions from 4 submitters: Uncertain significance (4). Last evaluated 2026-01-17.

Conditions:
CUBN-related disorder. Also called: CUBN-related condition.
Inborn genetic diseases. Identifiers: MedGen C0950123, MeSH D030342.
Imerslund-Grasbeck syndrome. Also called: Megaloblastic anemia due to inborn errors of metabolism; Imerslund-Gräsbeck syndrome; ENTEROCYTE COBALAMIN MALABSORPTION; ENTEROCYTE INTRINSIC FACTOR RECEPTOR, DEFECT OF; PERNICIOUS ANEMIA, JUVENILE, DUE TO SELECTIVE INTESTINAL MALABSORPTION OF VITAMIN B12, WITH PROTEINURIA. Identifiers: Orphanet 35858, MedGen C4551825, MONDO:0009853.

Allele frequency attached by ClinVar (database versions not stated): gnomAD 0.00001 and 0.00005; gnomAD exomes 0.00003 and 0.00008; ExAC 0.00007.
gnomAD v4.1: 53 of 1,613,916 alleles (0.0033%); highest among the groups gnomAD compares: East Asian, 0.018%; no homozygotes.

Submissions (4):

Labcorp Genetics (formerly Invitae), Labcorp
Classification: Uncertain significance for Imerslund-Grasbeck syndrome. Last evaluated: 2026-01-17. Review status: criteria provided, single submitter. Criteria: Invitae Variant Classification Sherloc (09022015). Collection method: clinical testing. Allele origin: germline.
Comment: This sequence change replaces arginine, which is basic and polar, with tryptophan, which is neutral and slightly polar, at codon 1636 of the CUBN protein (p.Arg1636Trp). This variant is present in population databases (rs551594427, gnomAD 0.08%). This variant has not been reported in the literature in individuals affected with CUBN-related conditions. ClinVar contains an entry for this variant (Variation ID: 941735). Invitae Evidence Modeling of protein sequence and biophysical properties (such as structural, functional, and spatial information, amino acid conservation, physicochemical variation, residue mobility, and thermodynamic stability) indicates that this missense variant is not expected to disrupt CUBN protein function with a negative predictive value of 80%. In summary, the available evidence is currently insufficient to determine the role of this variant in disease. Therefore, it has been classified as a Variant of Uncertain Significance.

PreventionGenetics, part of Exact Sciences
Classification: Uncertain significance for CUBN-related condition. Last evaluated: 2025-07-10. Review status: criteria provided, single submitter. Criteria: ACMG Guidelines, 2015. Collection method: clinical testing. Allele origin: germline.
Comment: The CUBN c.4906C>T variant is predicted to result in the amino acid substitution p.Arg1636Trp. To our knowledge, this variant has not been reported in the literature. This variant is reported in 0.079% of alleles in individuals of European (Finnish) descent in gnomAD. Of note, a different substitution at the same codon, defined as c.4907G>A (p.Arg1636Gln), was reported in the compound heterozygous state with a canonical splice variant c.10764+1G>A in an individual with isolated proteinuria (Yang et al. 2024. PubMed ID: 38488435). At this time, the clinical significance of the c.4906C>T (p.Arg1636Trp) variant is uncertain due to the absence of conclusive functional and genetic evidence.

Ambry Genetics
Classification: Uncertain significance for Inborn genetic diseases. Last evaluated: 2025-07-02. Review status: criteria provided, single submitter. Criteria: Ambry Variant Classification Scheme 2023. Collection method: clinical testing. Allele origin: germline.

Blueprint Genetics
Classification: Uncertain significance. Last evaluated: 2024-03-21. Review status: criteria provided, single submitter. Criteria: ACMG Guidelines, 2015. Collection method: clinical testing. Allele origin: germline.